The following is an entry in ClinVar:

ClinVar aggregate classification (germline): Pathogenic (1 of 4 stars; one submission).

Conditions:
Fanconi anemia (FA). Also called: Fanconi's anemia. Identifiers: Orphanet 84, MedGen C0015625, MeSH D005199, MONDO:0019391.

Submission:

Labcorp Genetics (formerly Invitae), Labcorp
Classification: Pathogenic for Fanconi anemia. Last evaluated: 2019-03-08. Review status: criteria provided, single submitter. Criteria: Invitae Variant Classification Sherloc (09022015). Collection method: clinical testing. Allele origin: germline.
Comment: For these reasons, this variant has been classified as Pathogenic. Loss-of-function variants in FANCM are known to be pathogenic (PMID: 29895858, 30075111). This variant has not been reported in the literature in individuals with FANCM-related conditions. This variant is not present in population databases (ExAC no frequency). This sequence change creates a premature translational stop signal (p.Ser1534*) in the FANCM gene. It is expected to result in an absent or disrupted protein product.

Literature cited by the submitters: PubMed 29895858; PubMed 30075111.

NM_020937.4(FANCM):c.4601C>A (p.Ser1534Ter)

Gene: FANCM (FA complementation group M; plus strand). Cytogenetic location: 14q21.2.
Variant type: single nucleotide variant.
Coding change: c.4601C>A on transcript NM_020937.4 (MANE Select); coding-DNA position 4601, C replaced by A.
Protein change: p.Ser1534Ter; replaces serine 1534 with a stop codon.
Molecular consequence: nonsense.
Genome position (GRCh38, 1-based): chr14:45,185,302, C>A. VCF-style: chr14-45185302-C-A. GRCh37 (hg19) VCF-style: chr14-45654505-C-A.
Other names: c.4601C>A (LRG_502t1); c.4523C>A, p.Ser1508Ter (NM_001308133.2); short protein forms S1508*, S1534*.
Identifiers: ClinVar variation 654747 (VCV000654747.8), dbSNP rs1594810556, ClinGen allele CA389608255.